The following is an entry in ClinVar:

NM_002467.6(MYC):c.217A>G (p.Thr73Ala)

Gene: MYC (MYC proto-oncogene, bHLH transcription factor; plus strand). Cytogenetic location: 8q24.21.
Variant type: single nucleotide variant.
Coding change: c.217A>G on transcript NM_002467.6 (MANE Select); coding-DNA position 217, A replaced by G.
Protein change: p.Thr73Ala; replaces threonine 73 with alanine.
Molecular consequence: missense variant.
Genome position (GRCh38, 1-based): chr8:127,738,434, A>G. VCF-style: chr8-127738434-A-G. GRCh37 (hg19) VCF-style: chr8-128750680-A-G.
Other names: c.214A>G, p.Thr72Ala (NM_001354870.1); short protein forms T72A, T73A.
Identifiers: ClinVar variation 2658815 (VCV002658815.26), dbSNP rs750664148, ClinGen allele CA372279633.

ClinVar aggregate classification (germline): Pathogenic (1 of 4 stars; one submission).
ClinVar aggregate classification (oncogenicity): Oncogenic (0 of 4 stars; one submission).

Conditions:
Acute myeloid leukemia (AML). Also called: Acute myeloid leukemia, adult; AML adult; Acute non-lymphocytic leukemia; Acute granulocytic leukemia; Leukemia, acute myeloid, somatic; Leukemia, acute myelogenous, somatic. Identifiers: Orphanet 519, MedGen C0023467, MeSH D015470, MONDO:0018874, OMIM 601626, HP:0004808. Disease mechanism: Constitutively activated FLT3.

Submissions (2):

CeGaT Center for Human Genetics Tuebingen
Classification: Pathogenic. Last evaluated: 2023-07-01. Review status: criteria provided, single submitter. Criteria: CeGaT Center For Human Genetics Tuebingen Variant Classification Criteria Version 2. Collection method: clinical testing. Allele origin: germline. Affected: yes. Observed: 1 variant allele.
Comment: MYC: PM1:Strong, PM2, PS3:Moderate, PS4:Moderate

Molecular Diagnostics Laboratory, Fox Chase Cancer Center - Temple Health
Classification: Oncogenic for Acute myeloid leukemia. Last evaluated: 2024-01-24. Review status: no assertion criteria provided. Collection method: clinical testing. Allele origin: somatic. Affected: yes.
Comment: It is predicted Pathogenic Supporting by FATHMM-MKL, is reported in lymphoid neoplasms in COSMIC (COSV52367574) and cBioPortal, and has not been observed in the general population. Also known as p.Thr58Ala in Ensembl, this variant form of MYC is not subject to a phosphorylation signal that targets MYC for degradation and is an activating oncogenic lesion.

Literature cited by the submitters: PubMed 23435422 (cited by Molecular Diagnostics Laboratory, Fox Chase Cancer Center - Temple Health); PubMed 17698969 (cited by Molecular Diagnostics Laboratory, Fox Chase Cancer Center - Temple Health); PubMed 30655867 (cited by Molecular Diagnostics Laboratory, Fox Chase Cancer Center - Temple Health); PubMed 24030976 (cited by Molecular Diagnostics Laboratory, Fox Chase Cancer Center - Temple Health); PubMed 32895364 (cited by Molecular Diagnostics Laboratory, Fox Chase Cancer Center - Temple Health).